The following is an entry in ClinVar:

ClinVar aggregate classification (germline): Uncertain significance (1 of 4 stars; one submission).

Conditions:
Hereditary nonpolyposis colorectal neoplasms. Identifiers: MedGen C0009405, MeSH D003123.

gnomAD v4.1: 3 of 1,614,094 alleles (0.00019%); no homozygotes.

Submission:

Labcorp Genetics (formerly Invitae), Labcorp
Classification: Uncertain significance for Hereditary nonpolyposis colorectal neoplasms. Last evaluated: 2025-04-08. Review status: criteria provided, single submitter. Criteria: Invitae Variant Classification Sherloc (09022015). Collection method: clinical testing. Allele origin: germline.
Comment: This sequence change replaces leucine, which is neutral and non-polar, with phenylalanine, which is neutral and non-polar, at codon 695 of the MSH6 protein (p.Leu695Phe). This variant is not present in population databases (gnomAD no frequency). This missense change has been observed in individual(s) with breast cancer (PMID: 35039564). ClinVar contains an entry for this variant (Variation ID: 1044460). Invitae Evidence Modeling of protein sequence and biophysical properties (such as structural, functional, and spatial information, amino acid conservation, physicochemical variation, residue mobility, and thermodynamic stability) indicates that this missense variant is not expected to disrupt MSH6 protein function with a negative predictive value of 95%. In summary, the available evidence is currently insufficient to determine the role of this variant in disease. Therefore, it has been classified as a Variant of Uncertain Significance.

Literature cited by the submitters: PubMed 35039564.

NM_000179.3(MSH6):c.2083C>T (p.Leu695Phe)

Gene: MSH6 (mutS homolog 6; plus strand). Cytogenetic location: 2p16.3.
Variant type: single nucleotide variant.
Coding change: c.2083C>T on transcript NM_000179.3 (MANE Select); coding-DNA position 2083, C replaced by T.
Protein change: p.Leu695Phe; replaces leucine 695 with phenylalanine.
Molecular consequence: missense variant.
Genome position (GRCh38, 1-based): chr2:47,800,066, C>T. VCF-style: chr2-47800066-C-T. GRCh37 (hg19) VCF-style: chr2-48027205-C-T.
Other names: c.1693C>T, p.Leu565Phe (NM_001281492.2); c.1177C>T, p.Leu393Phe (NM_001281493.2, NM_001281494.2); short protein forms L393F, L695F, L565F.
Identifiers: ClinVar variation 1044460 (VCV001044460.7), dbSNP rs1669418611, ClinGen allele CA346750827.